The following is an entry in ClinVar:

NM_139315.3(TAF6):c.1131C>T (p.Ile377=)

Genes: AP4M1 (adaptor related protein complex 4 subunit mu 1; plus strand), TAF6 (TATA-box binding protein associated factor 6; minus strand). Cytogenetic location: 7q22.1.
Variant type: single nucleotide variant.
Coding change: c.1131C>T on transcript NM_139315.3 (MANE Select); coding-DNA position 1131, C replaced by T.
Protein change: p.Ile377=; no amino-acid change (isoleucine 377 retained).
Molecular consequence: synonymous variant. On other transcripts: non-coding transcript variant (1).
Genome position (GRCh38, 1-based): chr7:100,110,227, G>A on the plus strand (C>T on the coding strand, the complement: TAF6 is on the minus strand). VCF-style: chr7-100110227-G-A. GRCh37 (hg19) VCF-style: chr7-99707850-G-A.
Other names: c.1242C>T, p.Ile414= (NM_001190415.2); c.1131C>T, p.Ile377= (NM_001364998.1, NM_001364999.1, NM_005641.4); c.1101C>T, p.Ile367= (NM_001365000.1, NM_001365001.1, NM_001365002.1 and 1 more transcripts); c.1269C>T, p.Ile423= (NM_001365004.1).
Identifiers: ClinVar variation 3778143 (VCV003778143.7).

ClinVar aggregate classification (germline): Likely benign (1 of 4 stars; one submission).

gnomAD v4.1: 22 of 1,613,978 alleles (0.0014%); highest among the groups gnomAD compares: South Asian, 0.0077%; no homozygotes.

Submission:

CeGaT Center for Human Genetics Tuebingen
Classification: Likely benign. Last evaluated: 2025-03-01. Review status: criteria provided, single submitter. Criteria: CeGaT Center For Human Genetics Tuebingen Variant Classification Criteria Version 2. Collection method: clinical testing. Allele origin: germline. Affected: yes. Observed: 1 variant allele.
Comment: TAF6: BP4, BP7